The following is an entry in ClinVar:

NM_001012759.3(CTU2):c.1221G>A (p.Gly407=)

Gene: CTU2 (cytosolic thiouridylase subunit 2; plus strand). Cytogenetic location: 16q24.3.
Variant type: single nucleotide variant.
Coding change: c.1221G>A on transcript NM_001012759.3 (MANE Select); coding-DNA position 1221, G replaced by A.
Protein change: p.Gly407=; no amino-acid change (glycine 407 retained).
Molecular consequence: synonymous variant.
Genome position (GRCh38, 1-based): chr16:88,714,606, G>A. VCF-style: chr16-88714606-G-A. GRCh37 (hg19) VCF-style: chr16-88781014-G-A.
Other names: c.1221G>A, p.Gly407= (NM_001012762.3); c.1434G>A, p.Gly478= (NM_001318507.2); c.960G>A, p.Gly320= (NM_001318513.2).
Identifiers: ClinVar variation 770638 (VCV000770638.13), dbSNP rs141242265, ClinGen allele CA8230953.

ClinVar aggregate classification (germline): Benign. Review status: criteria provided, multiple submitters, no conflicts (2 of 4 stars). 3 submissions from 3 submitters: Benign (2). 1 of the submissions does not count toward it. Last evaluated 2025-11-24.

Conditions:
CTU2-related disorder. Also called: CTU2-related condition.

Allele frequency attached by ClinVar (database versions not stated): TOPMed 0.00506; gnomAD 0.00484 and 0.00521; gnomAD exomes 0.00040 and 0.00126; 1000 Genomes Project 0.00619; ESP Exome Variant Server 0.00678; ExAC 0.00165; 1000 Genomes Project 30x 0.00656.
gnomAD v4.1: 1,343 of 1,612,606 alleles (0.083%); highest among the groups gnomAD compares: African/African-American, 1.6%; 8 homozygotes.

Submissions (3):

Labcorp Genetics (formerly Invitae), Labcorp
Classification: Benign. Last evaluated: 2025-11-24. Review status: criteria provided, single submitter. Criteria: Invitae Variant Classification Sherloc (09022015). Collection method: clinical testing. Allele origin: germline.

Breakthrough Genomics
Classification: Benign. Review status: criteria provided, single submitter. Criteria: ACMG Guidelines, 2015. Collection method: not provided. Allele origin: germline. Inheritance: Autosomal recessive inheritance. Affected: yes.

PreventionGenetics, part of Exact Sciences
Classification: Benign for CTU2-related condition. Last evaluated: 2019-12-02. Review status: no assertion criteria provided. Collection method: clinical testing. Allele origin: germline. Not counted in ClinVar's aggregate classification.
Comment: This variant is classified as benign based on ACMG/AMP sequence variant interpretation guidelines (Richards et al. 2015 PMID: 25741868, with internal and published modifications).